The following is an entry in ClinVar:

ClinVar aggregate classification (germline): Pathogenic (1 of 4 stars; one submission).

Conditions:
Primary ciliary dyskinesia 3. Identifiers: Orphanet 244, MedGen C1837618, MONDO:0012085, OMIM 608644.

Submission:

Myriad Genetics, Inc.
Classification: Pathogenic for Primary ciliary dyskinesia 3. Last evaluated: 2024-05-14. Review status: criteria provided, single submitter. Criteria: Myriad Autosomal Dominant, Autosomal Recessive and X-Linked Classification Criteria (2023). Collection method: clinical testing. Allele origin: unknown.
Comment: NM_001369.2(DNAH5):c.4816_4817ins13(A1606Vfs*2) is expected to be pathogenic in the context of primary ciliary dyskinesia, DNAH5-related. This variant is predicted to lead to an abnormal or absent protein product due to the creation of a premature termination codon in DNAH5, a gene where loss-of-function variants are known to be pathogenic. Please note: this variant was assessed in the context of healthy population screening.

NM_001369.3(DNAH5):c.4816_4817insTATAAGAGACAGT (p.Ala1606delinsValTer)

Genes: DNAH5 (dynein axonemal heavy chain 5; minus strand), LOC126807318 (MED14-independent group 3 enhancer GRCh37_chr5:13858976-13860175; plus strand). Cytogenetic location: 5p15.2.
Variant type: Insertion.
Coding change: c.4816_4817insTATAAGAGACAGT on transcript NM_001369.3 (MANE Select); coding-DNA positions 4816 to 4817, TATAAGAGACAGT inserted.
Protein change: p.Ala1606delinsValTer.
Molecular consequence: nonsense.
Genome position: GRCh38 VCF-style: chr5-13859585-G-GACTGTCTCTTATA. GRCh37 (hg19) VCF-style: chr5-13859694-G-GACTGTCTCTTATA.
Identifiers: ClinVar variation 5011105 (VCV005011105.1).